The following is an entry in ClinVar:

ClinVar aggregate classification (germline): Uncertain significance. Review status: criteria provided, multiple submitters, no conflicts (2 of 4 stars). 5 submissions from 5 submitters: Uncertain significance (5). Last evaluated 2025-06-05.

Conditions:
Hereditary cancer-predisposing syndrome. Also called: Tumor predisposition; Neoplastic Syndromes, Hereditary; Hereditary neoplastic syndrome; Hereditary Cancer Syndrome. Identifiers: Orphanet 140162, MedGen C0027672, MeSH D009386, MONDO:0015356.
Hereditary nonpolyposis colorectal neoplasms. Identifiers: MedGen C0009405, MeSH D003123.
Endometrial carcinoma. Also called: Endometrial carcinoma, somatic. Identifiers: MedGen C0476089, MONDO:0002447, OMIM 608089, HP:0012114.
Lynch syndrome. Identifiers: Orphanet 144, MedGen C4552100, MONDO:0005835. Disease mechanism: loss of function.

Submissions (5):

Ambry Genetics
Classification: Uncertain significance for Hereditary cancer-predisposing syndrome. Last evaluated: 2025-06-05. Review status: criteria provided, single submitter. Criteria: Ambry Variant Classification Scheme 2023. Collection method: clinical testing. Allele origin: germline.
Comment: The p.M492T variant (also known as c.1475T>C), located in coding exon 4 of the MSH6 gene, results from a T to C substitution at nucleotide position 1475. The methionine at codon 492 is replaced by threonine, an amino acid with similar properties. This amino acid position is highly conserved in available vertebrate species. In addition, this alteration is predicted to be deleterious by in silico analysis. Since supporting evidence is limited at this time, the clinical significance of this alteration remains unclear.

Color Diagnostics, LLC DBA Color Health
Classification: Uncertain significance for Hereditary cancer-predisposing syndrome. Last evaluated: 2024-03-06. Review status: criteria provided, single submitter. Criteria: ACMG Guidelines, 2015. Collection method: clinical testing. Allele origin: germline.
Comment: This missense variant replaces methionine with threonine at codon 492 in the MSH6 protein. Computational prediction suggests that this variant may have deleterious impact on protein structure and function (internally defined REVEL score threshold >= 0.7, PMID: 27666373). To our knowledge, functional studies have not been reported for this variant. This variant has not been reported in individuals affected with MSH6-related disorders in the literature. This variant has not been identified in the general population by the Genome Aggregation Database (gnomAD). The available evidence is insufficient to determine the role of this variant in disease conclusively. Therefore, this variant is classified as a Variant of Uncertain Significance.

Labcorp Genetics (formerly Invitae), Labcorp
Classification: Uncertain significance for Hereditary nonpolyposis colorectal neoplasms. Last evaluated: 2023-07-07. Review status: criteria provided, single submitter. Criteria: Invitae Variant Classification Sherloc (09022015). Collection method: clinical testing. Allele origin: germline.
Comment: This sequence change replaces methionine, which is neutral and non-polar, with threonine, which is neutral and polar, at codon 492 of the MSH6 protein (p.Met492Thr). This variant is not present in population databases (gnomAD no frequency). This variant has not been reported in the literature in individuals affected with MSH6-related conditions. ClinVar contains an entry for this variant (Variation ID: 631337). Advanced modeling of protein sequence and biophysical properties (such as structural, functional, and spatial information, amino acid conservation, physicochemical variation, residue mobility, and thermodynamic stability) performed at Invitae indicates that this missense variant is not expected to disrupt MSH6 protein function. In summary, the available evidence is currently insufficient to determine the role of this variant in disease. Therefore, it has been classified as a Variant of Uncertain Significance.

Baylor Genetics
Classification: Uncertain significance for Endometrial carcinoma. Last evaluated: 2023-06-06. Review status: criteria provided, single submitter. Criteria: ACMG Guidelines, 2015. Collection method: clinical testing. Allele origin: unknown.

Department of Pathology and Laboratory Medicine, Sinai Health System
Classification: Uncertain significance for Lynch syndrome. Last evaluated: 2020-12-04. Review status: criteria provided, single submitter. Criteria: ACMG Guidelines, 2015. Collection method: clinical testing. Allele origin: germline. Affected: yes.

NM_000179.3(MSH6):c.1475T>C (p.Met492Thr)

Gene: MSH6 (mutS homolog 6; plus strand). Cytogenetic location: 2p16.3.
Variant type: single nucleotide variant.
Coding change: c.1475T>C on transcript NM_000179.3 (MANE Select); coding-DNA position 1475, T replaced by C.
Protein change: p.Met492Thr; replaces methionine 492 with threonine.
Molecular consequence: missense variant.
Genome position (GRCh38, 1-based): chr2:47,799,458, T>C. VCF-style: chr2-47799458-T-C. GRCh37 (hg19) VCF-style: chr2-48026597-T-C.
Other names: c.1085T>C, p.Met362Thr (NM_001281492.2); c.569T>C, p.Met190Thr (NM_001281493.2, NM_001281494.2); short protein forms M492T, M362T, M190T.
Identifiers: ClinVar variation 631337 (VCV000631337.13), dbSNP rs1558661808, ClinGen allele CA346745951.